The following is an entry in ClinVar:

ClinVar aggregate classification (germline): Uncertain significance (1 of 4 stars; one submission).

Conditions:
Hereditary cancer-predisposing syndrome. Also called: Tumor predisposition; Hereditary Cancer Syndrome; Hereditary neoplastic syndrome; Neoplastic Syndromes, Hereditary. Identifiers: Orphanet 140162, MedGen C0027672, MeSH D009386, MONDO:0015356.

Submission:

Ambry Genetics
Classification: Uncertain significance for Hereditary cancer-predisposing syndrome. Last evaluated: 2025-10-28. Review status: criteria provided, single submitter. Criteria: Ambry Variant Classification Scheme 2023. Collection method: clinical testing. Allele origin: germline.
Comment: The p.V204A variant (also known as c.611T>C), located in coding exon 7 of the RAD51D gene, results from a T to C substitution at nucleotide position 611. The valine at codon 204 is replaced by alanine, an amino acid with similar properties. This amino acid position is conserved. In addition, this alteration is predicted to be deleterious by in silico analysis. Based on the available evidence, the clinical significance of this variant remains unclear.

NM_002878.4(RAD51D):c.611T>C (p.Val204Ala)

Genes: RAD51D (RAD51 paralog D; minus strand), RAD51L3-RFFL (RAD51L3-RFFL readthrough; minus strand). Cytogenetic location: 17q12.
Variant type: single nucleotide variant.
Coding change: c.611T>C on transcript NM_002878.4 (MANE Select); coding-DNA position 611, T replaced by C.
Protein change: p.Val204Ala; replaces valine 204 with alanine.
Molecular consequence: missense variant. On other transcripts: non-coding transcript variant (3).
Genome position (GRCh38, 1-based): chr17:35,103,510, A>G on the plus strand (T>C on the coding strand, the complement: RAD51D is on the minus strand). VCF-style: chr17-35103510-A-G. GRCh37 (hg19) VCF-style: chr17-33430529-A-G.
Other names: c.671T>C, p.Val224Ala (NM_001142571.2); c.275T>C, p.Val92Ala (NM_133629.3); short protein forms V224A, V204A, V92A.
Identifiers: ClinVar variation 4543223 (VCV004543223.1).